The following is an entry in ClinVar:

NM_000020.3(ACVRL1):c.62-1G>A

Gene: ACVRL1 (activin A receptor like type 1; plus strand). Cytogenetic location: 12q13.13.
Variant type: single nucleotide variant.
Coding change: c.62-1G>A on transcript NM_000020.3 (MANE Select); the canonical splice acceptor site of the intron before coding-DNA position 62, G replaced by A.
Molecular consequence: splice acceptor variant. On other transcripts: intron variant (1).
Genome position (GRCh38, 1-based): chr12:51,913,098, G>A. VCF-style: chr12-51913098-G-A. GRCh37 (hg19) VCF-style: chr12-52306882-G-A.
Other names: c.62-1G>A (NM_001406487.1, NM_001406491.1, NM_001406488.1 and 6 more transcripts); c.61+563G>A (NM_001406495.1).
Identifiers: ClinVar variation 4683105 (VCV004683105.1).

ClinVar aggregate classification (germline): Likely pathogenic (1 of 4 stars; one submission).

Conditions:
Telangiectasia, hereditary hemorrhagic, type 2 (HHT2). Also called: ACVRL1-Related Hereditary Hemorrhagic Telangiectasia; Telangiectasia, hereditary hemorrhagic, type II. Identifiers: Orphanet 774, MedGen C1838163, MONDO:0010880, OMIM 600376. Disease mechanism: loss of function.

gnomAD v4.1: 1 of 1,602,780 alleles (0.000062%); highest among the groups gnomAD compares: Non-Finnish European, 0.000085%; no homozygotes.

Submission:

Institute of Human Genetics, University of Leipzig Medical Center
Classification: Likely pathogenic for Telangiectasia, hereditary hemorrhagic, type 2. Last evaluated: 2025-12-01. Review status: criteria provided, single submitter. Criteria: ACMG Guidelines, 2015. Collection method: clinical testing. Allele origin: unknown. Inheritance: Autosomal dominant inheritance. Affected: yes.
Comment: Criteria applied: PVS1,PM2_SUP